The following is an entry in ClinVar:

NM_000548.5(TSC2):c.2066T>A (p.Leu689His)

Gene: TSC2 (TSC complex subunit 2; plus strand). Cytogenetic location: 16p13.3.
Variant type: single nucleotide variant.
Coding change: c.2066T>A on transcript NM_000548.5 (MANE Select); coding-DNA position 2066, T replaced by A.
Protein change: p.Leu689His; replaces leucine 689 with histidine.
Molecular consequence: missense variant.
Genome position (GRCh38, 1-based): chr16:2,071,903, T>A. VCF-style: chr16-2071903-T-A. GRCh37 (hg19) VCF-style: chr16-2121904-T-A.
Other names: c.2066T>A, p.Leu689His (NM_001077183.3, NM_001114382.3, NM_001363528.2 and 3 more transcripts); c.1955T>A, p.Leu652His (NM_001318827.2); c.1919T>A, p.Leu640His (NM_001318829.2); c.1466T>A, p.Leu489His (NM_001318831.2); c.2099T>A, p.Leu700His (NM_001318832.2); short protein forms L489H, L640H, L689H, L652H, L700H.
Identifiers: ClinVar variation 1036631 (VCV001036631.8), dbSNP rs2088480123, ClinGen allele CA394274653.

ClinVar aggregate classification (germline): Uncertain significance (1 of 4 stars; one submission).

Conditions:
Tuberous sclerosis 2 (TSC2). Identifiers: Orphanet 805, MedGen C1860707, MONDO:0013199, OMIM 613254.

Submission:

Labcorp Genetics (formerly Invitae), Labcorp
Classification: Uncertain significance for Tuberous sclerosis 2. Last evaluated: 2020-06-23. Review status: criteria provided, single submitter. Criteria: Invitae Variant Classification Sherloc (09022015). Collection method: clinical testing. Allele origin: germline.
Comment: In summary, the available evidence is currently insufficient to determine the role of this variant in disease. Therefore, it has been classified as a Variant of Uncertain Significance. Algorithms developed to predict the effect of missense changes on protein structure and function are either unavailable or do not agree on the potential impact of this missense change (SIFT: "Deleterious"; PolyPhen-2: "Possibly Damaging"; Align-GVGD: "Class C0"). This variant has not been reported in the literature in individuals with TSC2-related conditions. This variant is not present in population databases (ExAC no frequency). This sequence change replaces leucine with histidine at codon 689 of the TSC2 protein (p.Leu689His). The leucine residue is weakly conserved and there is a moderate physicochemical difference between leucine and histidine.